The following is an entry in ClinVar:

ClinVar aggregate classification (germline): Likely benign (1 of 4 stars; one submission).

Allele frequency attached by ClinVar (database versions not stated): gnomAD exomes below 0.00001.
gnomAD v4.1: 1 of 1,614,238 alleles (0.000062%); highest among the groups gnomAD compares: Non-Finnish European, 0.000085%; no homozygotes.

Submission:

CeGaT Center for Human Genetics Tuebingen
Classification: Likely benign. Last evaluated: 2022-11-01. Review status: criteria provided, single submitter. Criteria: CeGaT Center For Human Genetics Tuebingen Variant Classification Criteria Version 2. Collection method: clinical testing. Allele origin: germline. Affected: yes. Observed: 1 variant allele.
Comment: ERCC5: PM2:Supporting, BP4, BP7

NM_000123.4(ERCC5):c.2652T>C (p.His884=)

Genes: BIVM-ERCC5 (BIVM-ERCC5 readthrough; plus strand), ERCC5 (ERCC excision repair 5, endonuclease; plus strand). Cytogenetic location: 13q33.1.
Variant type: single nucleotide variant.
Coding change: c.2652T>C on transcript NM_000123.4 (MANE Select); coding-DNA position 2652, T replaced by C.
Protein change: p.His884=; no amino-acid change (histidine 884 retained).
Molecular consequence: synonymous variant.
Genome position (GRCh38, 1-based): chr13:102,868,231, T>C. VCF-style: chr13-102868231-T-C. GRCh37 (hg19) VCF-style: chr13-103520581-T-C.
Other names: c.4014T>C, p.His1338= (NM_001204425.2).
Identifiers: ClinVar variation 2643923 (VCV002643923.24), dbSNP rs2501592256, ClinGen allele CA484778147.
Genomic context (GRCh38, chr13:102,868,231, plus strand): 5'-AGGAATACCAACTGTGGGTTGTGTAACCGCCATGGAAATTCTCAATGAATTCCCTGGGCA[T>C]GGCCTGGAACCTCTCCTAAAATTCTCGTAAGGTCTTTTATTTCTTTAATTTGGATAATTG-3'
Protein context (NP_000114.3, residues 874-894): AMEILNEFPG[His884=]GLEPLLKFSE